The following is an entry in ClinVar:

NM_001127222.2(CACNA1A):c.4366del (p.Ser1456fs)

Gene: CACNA1A (calcium voltage-gated channel subunit alpha1 A; minus strand). Cytogenetic location: 19p13.13.
Variant type: Deletion.
Coding change: c.4366del on transcript NM_001127222.2 (MANE Select); coding-DNA position 4366, one base deleted (T; older notation c.4366delT).
Protein change: p.Ser1456fs; shifts the reading frame from serine 1456.
Molecular consequence: frameshift variant.
Genome position (GRCh38, 1-based): chr19:13,259,586, A deleted on the plus strand (T on the coding strand, the reverse complement: CACNA1A is on the minus strand). VCF-style (leftmost placement, unchanged base first): chr19-13259585-GA-G. GRCh37 (hg19) VCF-style: chr19-13370399-GA-G.
Other names: c.4378del, p.Ser1460fs (NM_000068.4, NM_023035.3); c.4369del, p.Ser1457fs (NM_001127221.2, NM_001174080.2); short protein forms S1456fs, S1457fs, S1460fs.
Identifiers: ClinVar variation 1401261 (VCV001401261.6), dbSNP rs2144758193, ClinGen allele CA2573156115.
Genomic context (GRCh38, chr19:13,259,585, plus strand): 5'-AGGGCTCCTCCTGGATAGATTTCCAGTCGGGCCACTTACTGTGGCCAGCCTTCTCCCGTG[GA>G]CACGGTGAAGAGGGTCAGCAGAGCCCACAGCACATTGTCGTAATGGAATTCATACTTCTT-3'

ClinVar aggregate classification (germline): Pathogenic (1 of 4 stars; one submission).

Conditions:
Developmental and epileptic encephalopathy, 42 (DEE42A). Also called: Epileptic encephalopathy, early infantile, 42; DEVELOPMENTAL AND EPILEPTIC ENCEPHALOPATHY 42A; EPILEPTIC ENCEPHALOPATHY, EARLY INFANTILE, 42A. Identifiers: MedGen C4310716, MONDO:0014917, OMIM 617106.
Episodic ataxia type 2 (EA2). Also called: EPISODIC ATAXIA, NYSTAGMUS-ASSOCIATED; ACETAZOLAMIDE-RESPONSIVE HEREDITARY PAROXYSMAL CEREBELLAR ATAXIA; ATAXIA, EPISODIC, WITH NYSTAGMUS; ATAXIA, FAMILIAL PAROXYSMAL; CEREBELLAR ATAXIA, PAROXYSMAL, ACETAZOLAMIDE-RESPONSIVE; CEREBELLOPATHY, HEREDITARY PAROXYSMAL. Identifiers: Orphanet 97, MedGen C1720416, MONDO:0007163, OMIM 108500.

Submission:

Labcorp Genetics (formerly Invitae), Labcorp
Classification: Pathogenic for Developmental and epileptic encephalopathy, 42; Episodic ataxia type 2. Last evaluated: 2022-06-19. Review status: criteria provided, single submitter. Criteria: Invitae Variant Classification Sherloc (09022015). Collection method: clinical testing. Allele origin: germline.
Comment: This sequence change creates a premature translational stop signal (p.Ser1457Profs*53) in the CACNA1A gene. It is expected to result in an absent or disrupted protein product. Loss-of-function variants in CACNA1A are known to be pathogenic (PMID: 10371528, 19486177, 25735478, 27250579). This variant is not present in population databases (gnomAD no frequency). For these reasons, this variant has been classified as Pathogenic. This variant has not been reported in the literature in individuals affected with CACNA1A-related conditions.

Literature cited by the submitters: PubMed 10371528; PubMed 19486177; PubMed 25735478; PubMed 27250579.